The following is an entry in ClinVar:

NM_001349338.3(FOXP1):c.1429-26_1429-12del

Genes: FOXP1 (forkhead box P1; minus strand), LOC126806714 (BRD4-independent group 4 enhancer GRCh37_chr3:71025197-71026396; plus strand). Cytogenetic location: 3p13.
Variant type: Deletion.
Coding change: c.1429-26_1429-12del on transcript NM_001349338.3 (MANE Select); 26 bases into the intron before coding-DNA position 1429 through 12 bases into the intron before coding-DNA position 1429, 15 bases deleted (ATCTTCTGTTACATT).
Molecular consequence: intron variant.
Genome position (GRCh38, 1-based): chr3:70,977,054-70,977,068, AATGTAACAGAAGAT deleted on the plus strand (ATCTTCTGTTACATT on the coding strand, the reverse complement: FOXP1 is on the minus strand); deleting any 15 consecutive bases within chr3:70,977,054-70,977,071 gives the same sequence; the c. name uses the placement nearest the transcript's 3' end. VCF-style (leftmost placement, unchanged base first): chr3-70977053-GAATGTAACAGAAGAT-G. GRCh37 (hg19) VCF-style: chr3-71026204-GAATGTAACAGAAGAT-G.
Other names: c.1429-26_1429-12del (NM_001244810.2, NM_032682.6, NM_001349340.3 and 2 more transcripts); c.1426-26_1426-12del (NM_001349341.3, NM_001244808.3); c.1201-26_1201-12del (NM_001244812.3); c.1126-26_1126-12del (NM_001349343.3, NM_001349337.2, NM_001370548.1 and 1 more transcripts); c.1129-26_1129-12del (NM_001349342.3, NM_001244815.2, NM_001244813.3).
Identifiers: ClinVar variation 2995007 (VCV002995007.3), dbSNP rs2545111085, ClinGen allele CA2740094502.

ClinVar aggregate classification (germline): Uncertain significance (1 of 4 stars; one submission).

Submission:

Labcorp Genetics (formerly Invitae), Labcorp
Classification: Uncertain significance. Last evaluated: 2023-04-24. Review status: criteria provided, single submitter. Criteria: Invitae Variant Classification Sherloc (09022015). Collection method: clinical testing. Allele origin: germline.
Comment: This variant has not been reported in the literature in individuals affected with FOXP1-related conditions. In summary, the available evidence is currently insufficient to determine the role of this variant in disease. Therefore, it has been classified as a Variant of Uncertain Significance. Algorithms developed to predict the effect of sequence changes on RNA splicing suggest that this variant may create or strengthen a splice site. This variant is not present in population databases (gnomAD no frequency). This sequence change falls in intron 16 of the FOXP1 gene. It does not directly change the encoded amino acid sequence of the FOXP1 protein.